The following is an entry in ClinVar:

NM_138694.4(PKHD1):c.9184_9185insGTGAC (p.Asn3062fs)

Gene: PKHD1 (PKHD1 ciliary IPT domain containing fibrocystin/polyductin; minus strand). Cytogenetic location: 6p12.3.
Variant type: Insertion.
Coding change: c.9184_9185insGTGAC on transcript NM_138694.4 (MANE Select); coding-DNA positions 9184 to 9185, GTGAC inserted.
Protein change: p.Asn3062fs; shifts the reading frame from asparagine 3062.
Molecular consequence: frameshift variant.
Genome position: GRCh38 VCF-style: chr6-51748431-T-TGTCAC. GRCh37 (hg19) VCF-style: chr6-51613229-T-TGTCAC.
Other names: c.9184_9185insGTGAC, p.Asn3062fs (NM_170724.3); short protein forms N3062fs.
Identifiers: ClinVar variation 5015852 (VCV005015852.1).

ClinVar aggregate classification (germline): Pathogenic (1 of 4 stars; one submission).

Conditions:
Polycystic kidney disease 4 (PKD4). Also called: PKD3; Autosomal Recessive Polycystic Kidney Disease – PKHD1; POLYCYSTIC KIDNEY AND HEPATIC DISEASE 1; POLYCYSTIC KIDNEY DISEASE, INFANTILE, TYPE I; POLYCYSTIC KIDNEY DISEASE 4 WITH OR WITHOUT POLYCYSTIC LIVER DISEASE. Identifiers: MedGen C4540575, MONDO:0033004, OMIM 263200.

Submission:

Myriad Genetics, Inc.
Classification: Pathogenic for Polycystic kidney disease 4. Last evaluated: 2026-05-01. Review status: criteria provided, single submitter. Criteria: Myriad Autosomal Dominant, Autosomal Recessive and X-Linked Classification Criteria (2023). Collection method: clinical testing. Allele origin: unknown.
Comment: NM_138694.3(PKHD1):c.9184_9185ins5(N3062Sfs*8) is expected to be pathogenic in the context of autosomal recessive polycystic kidney disease, PKHD1-related. This variant is predicted to lead to an abnormal or absent protein product due to the creation of a premature termination codon in PKHD1, a gene where loss-of-function variants are known to be pathogenic. Please note: this variant was assessed in the context of healthy population screening.